The following is an entry in ClinVar:

ClinVar aggregate classification (germline): Uncertain significance (1 of 4 stars; one submission).

Submission:

GeneDx
Classification: Uncertain significance. Last evaluated: 2021-03-09. Review status: criteria provided, single submitter. Criteria: GeneDx Variant Classification Process June 2021. Collection method: clinical testing. Allele origin: germline. Affected: yes.
Comment: Not observed in large population cohorts (Lek et al., 2016); In silico analysis supports that this missense variant has a deleterious effect on protein structure/function; Has not been previously published as pathogenic or benign to our knowledge

NM_004380.3(CREBBP):c.4637C>T (p.Pro1546Leu)

Gene: CREBBP (CREB binding protein; minus strand). Cytogenetic location: 16p13.3.
Variant type: single nucleotide variant.
Coding change: c.4637C>T on transcript NM_004380.3 (MANE Select); coding-DNA position 4637, C replaced by T.
Protein change: p.Pro1546Leu; replaces proline 1546 with leucine.
Molecular consequence: missense variant.
Genome position (GRCh38, 1-based): chr16:3,736,127, G>A on the plus strand (C>T on the coding strand, the complement: CREBBP is on the minus strand). VCF-style: chr16-3736127-G-A. GRCh37 (hg19) VCF-style: chr16-3786128-G-A.
Other names: c.4523C>T, p.Pro1508Leu (NM_001079846.1); short protein forms P1508L, P1546L.
Identifiers: ClinVar variation 1305218 (VCV001305218.2), dbSNP rs2151327801, ClinGen allele CA394562500.